The following is an entry in ClinVar:

ClinVar aggregate classification (germline): Uncertain significance (1 of 4 stars; one submission).

Conditions:
Acute myeloid leukemia (AML). Also called: Leukemia, acute myeloid, somatic; Leukemia, acute myelogenous, somatic; Acute myeloid leukemia, adult; AML adult; Acute non-lymphocytic leukemia; Acute granulocytic leukemia. Identifiers: Orphanet 519, MedGen C0023467, MeSH D015470, MONDO:0018874, OMIM 601626, HP:0004808. Disease mechanism: Constitutively activated FLT3.

Submission:

Labcorp Genetics (formerly Invitae), Labcorp
Classification: Uncertain significance for Acute myeloid leukemia. Last evaluated: 2020-01-22. Review status: criteria provided, single submitter. Criteria: Invitae Variant Classification Sherloc (09022015). Collection method: clinical testing. Allele origin: germline.
Comment: This variant is not present in population databases (ExAC no frequency). This sequence change replaces serine with proline at codon 349 of the CEBPA protein (p.Ser349Pro). The serine residue is highly conserved and there is a moderate physicochemical difference between serine and proline. Algorithms developed to predict the effect of missense changes on protein structure and function do not agree on the potential impact of this missense change (SIFT: "Deleterious"; PolyPhen-2: "Probably Damaging"; Align-GVGD: "Class C0"). In summary, this variant is a novel missense change with uncertain impact on protein function. It is not expected to cause disease, but the available evidence is currently insufficient to prove that conclusively. Therefore, it has been classified as a Variant of Uncertain Significance.

NM_004364.5(CEBPA):c.1045T>C (p.Ser349Pro)

Gene: CEBPA (CCAAT enhancer binding protein alpha; minus strand). Cytogenetic location: 19q13.11.
Variant type: single nucleotide variant.
Coding change: c.1045T>C on transcript NM_004364.5 (MANE Select); coding-DNA position 1045, T replaced by C.
Protein change: p.Ser349Pro; replaces serine 349 with proline.
Molecular consequence: missense variant.
Genome position (GRCh38, 1-based): chr19:33,301,370, A>G on the plus strand (T>C on the coding strand, the complement: CEBPA is on the minus strand). VCF-style: chr19-33301370-A-G. GRCh37 (hg19) VCF-style: chr19-33792276-A-G.
Other names: c.688T>C, p.Ser230Pro (NM_001285829.2); c.1150T>C, p.Ser384Pro (NM_001287424.2); c.1003T>C, p.Ser335Pro (NM_001287435.2); short protein forms S349P, S230P, S384P, S335P.
Identifiers: ClinVar variation 408743 (VCV000408743.7), dbSNP rs1060502117, ClinGen allele CA16616053.